The following is an entry in ClinVar:

NM_001165963.4(SCN1A):c.665G>A (p.Arg222Gln)

Gene: SCN1A (sodium voltage-gated channel alpha subunit 1; minus strand). Cytogenetic location: 2q24.3.
Variant type: single nucleotide variant.
Coding change: c.665G>A on transcript NM_001165963.4 (MANE Select); coding-DNA position 665, G replaced by A.
Protein change: p.Arg222Gln; replaces arginine 222 with glutamine.
Molecular consequence: missense variant. On other transcripts: 5 prime UTR variant (1), non-coding transcript variant (1).
Genome position (GRCh38, 1-based): chr2:166,052,881, C>T on the plus strand (G>A on the coding strand, the complement: SCN1A is on the minus strand). VCF-style: chr2-166052881-C-T. GRCh37 (hg19) VCF-style: chr2-166909391-C-T.
Other names: c.665G>A, p.Arg222Gln (NM_001165964.3, NM_001202435.3, NM_001353948.2 and 10 more transcripts); c.-1761G>A (NM_001353961.2); short protein forms R222Q.
Identifiers: ClinVar variation 3619297 (VCV003619297.2).

ClinVar aggregate classification (germline): Uncertain significance (1 of 4 stars; one submission).

Conditions:
Early-infantile DEE. Also called: Early infantile epileptic encephalopathy; Ohtahara syndrome; Early infantile epileptic encephalopathy with suppression bursts. Identifiers: Orphanet 1934, MedGen C0393706, MONDO:0800491.

gnomAD v4.1: 2 of 1,612,398 alleles (0.00012%); highest among the groups gnomAD compares: Non-Finnish European, 0.00017%; no homozygotes.

Submission:

Labcorp Genetics (formerly Invitae), Labcorp
Classification: Uncertain significance for Early-infantile DEE. Last evaluated: 2025-05-18. Review status: criteria provided, single submitter. Criteria: Invitae Variant Classification Sherloc (09022015). Collection method: clinical testing. Allele origin: germline.
Comment: This sequence change replaces arginine, which is basic and polar, with glutamine, which is neutral and polar, at codon 222 of the SCN1A protein (p.Arg222Gln). This variant is not present in population databases (gnomAD no frequency). This variant has not been reported in the literature in individuals affected with SCN1A-related conditions. ClinVar contains an entry for this variant (Variation ID: 3619297). Invitae Evidence Modeling of protein sequence and biophysical properties (such as structural, functional, and spatial information, amino acid conservation, physicochemical variation, residue mobility, and thermodynamic stability) indicates that this missense variant is expected to disrupt SCN1A protein function with a positive predictive value of 95%. In summary, the available evidence is currently insufficient to determine the role of this variant in disease. Therefore, it has been classified as a Variant of Uncertain Significance.